The following is an entry in ClinVar:

ClinVar aggregate classification (germline): Pathogenic (1 of 4 stars; one submission).

Conditions:
Distal myopathy with posterior leg and anterior hand involvement. Also called: WILLIAMS DISTAL MYOPATHY. Identifiers: Orphanet 63273, MedGen C3279722, MONDO:0013550, OMIM 614065.
Hypertrophic cardiomyopathy 26. Also called: Cardiomyopathy, familial hypertrophic, 26. Identifiers: Orphanet 75249, MedGen C4310749, MONDO:0014883, OMIM 617047.
Myofibrillar myopathy 5. Also called: FILAMINOPATHY, AUTOSOMAL DOMINANT; Filaminopathy (type). Identifiers: Orphanet 171445, MedGen C1836050, MONDO:0012289, OMIM 609524.

Submission:

Labcorp Genetics (formerly Invitae), Labcorp
Classification: Pathogenic for Distal myopathy with posterior leg and anterior hand involvement; Myofibrillar myopathy 5; Hypertrophic cardiomyopathy 26. Last evaluated: 2022-05-30. Review status: criteria provided, single submitter. Criteria: Invitae Variant Classification Sherloc (09022015). Collection method: clinical testing. Allele origin: germline.
Comment: This sequence change creates a premature translational stop signal (p.Glu1561Glyfs*46) in the FLNC gene. It is expected to result in an absent or disrupted protein product. Loss-of-function variants in FLNC are known to be pathogenic (PMID: 27908349). This variant is not present in population databases (gnomAD no frequency). This variant has not been reported in the literature in individuals affected with FLNC-related conditions. ClinVar contains an entry for this variant (Variation ID: 1457634). For these reasons, this variant has been classified as Pathogenic.

Literature cited by the submitters: PubMed 27908349.

NM_001458.5(FLNC):c.4682del (p.Glu1561fs)

Gene: FLNC (filamin C; plus strand). Cytogenetic location: 7q32.1.
Variant type: Deletion.
Coding change: c.4682del on transcript NM_001458.5 (MANE Select); coding-DNA position 4682, one base deleted (A; older notation c.4682delA).
Protein change: p.Glu1561fs; shifts the reading frame from glutamic acid 1561.
Molecular consequence: frameshift variant.
Genome position (GRCh38, 1-based): chr7:128,848,662, A deleted. VCF-style (leftmost placement, unchanged base first): chr7-128848661-GA-G. GRCh37 (hg19) VCF-style: chr7-128488715-GA-G.
Other names: c.4682del, p.Glu1561fs (NM_001127487.2); short protein forms E1561fs.
Identifiers: ClinVar variation 1457634 (VCV001457634.6), dbSNP rs2128937556, ClinGen allele CA2573141619.